The following is an entry in ClinVar:

NM_020987.5(ANK3):c.9035T>C (p.Ile3012Thr)

Gene: ANK3 (ankyrin 3; minus strand). Cytogenetic location: 10q21.2.
Variant type: single nucleotide variant.
Coding change: c.9035T>C on transcript NM_020987.5 (MANE Select); coding-DNA position 9035, T replaced by C.
Protein change: p.Ile3012Thr; replaces isoleucine 3012 with threonine.
Molecular consequence: missense variant. On other transcripts: intron variant (4).
Genome position (GRCh38, 1-based): chr10:60,071,846, A>G on the plus strand (T>C on the coding strand, the complement: ANK3 is on the minus strand). VCF-style: chr10-60071846-A-G. GRCh37 (hg19) VCF-style: chr10-61831604-A-G.
Other names: c.4388-3837T>C (NM_001204403.2); c.4409-3837T>C (NM_001204404.2); c.4406-3837T>C (NM_001320874.2); c.1808-3837T>C (NM_001149.4); short protein forms I3012T.
Identifiers: ClinVar variation 2584974 (VCV002584974.1), dbSNP rs773361259, ClinGen allele CA5511453.

ClinVar aggregate classification (germline): Uncertain significance (1 of 4 stars; one submission).

Conditions:
Intellectual developmental disorder, autosomal recessive 37. Also called: Intellectual disability-hypotonia-spasticity-sleep disorder syndrome. Identifiers: Orphanet 356996, MedGen C3809672, MONDO:0014210, OMIM 615493.

Allele frequency attached by ClinVar (database versions not stated): gnomAD exomes 0.00001; ExAC 0.00002; TOPMed 0.00003.
gnomAD v4.1: 9 of 1,613,556 alleles (0.00056%); highest among the groups gnomAD compares: South Asian, 0.0055%; no homozygotes.

Submission:

Neuberg Centre For Genomic Medicine, NCGM
Classification: Uncertain significance for Intellectual developmental disorder, autosomal recessive 37. Review status: criteria provided, single submitter. Criteria: ACMG Guidelines, 2015. Collection method: clinical testing. Allele origin: germline. Inheritance: Autosomal recessive inheritance. Affected: yes.
Comment: The missense variant c.9035T>C (p.Ile3012Thr) in ANK3 gene has not been reported previously as a pathogenic variant nor as a benign variant, to our knowledge. The p.Ile3012Thr variant is novel (not in any individuals) in 1000 Genomes and allele frequency of 0.001601% is reported in gnomAD. The amino acid Ile at position 3012 is changed to a Thr changing protein sequence and it might alter its composition and physico-chemical properties. For these reasons, this variant has been classified as Uncertain Significance.